The following is an entry in ClinVar:

ClinVar aggregate classification (germline): Uncertain significance (0 of 4 stars; one submission).

Conditions:
PKD1L1-related disorder. Also called: PKD1L1-related condition.

gnomAD v4.1: 1 of 1,614,084 alleles (0.000062%); highest among the groups gnomAD compares: Non-Finnish European, 0.000085%; no homozygotes.

Submission:

PreventionGenetics, part of Exact Sciences
Classification: Uncertain significance for PKD1L1-related condition. Last evaluated: 2024-03-19. Review status: no assertion criteria provided. Collection method: clinical testing. Allele origin: germline.
Comment: The PKD1L1 c.4529A>G variant is predicted to result in the amino acid substitution p.Tyr1510Cys. To our knowledge, this variant has not been reported in the literature or in a large population database, indicating this variant is rare. At this time, the clinical significance of this variant is uncertain due to the absence of conclusive functional and genetic evidence.

NM_138295.5(PKD1L1):c.4529A>G (p.Tyr1510Cys)

Gene: PKD1L1 (polycystin 1 like 1, transient receptor potential channel interacting; minus strand). Cytogenetic location: 7p12.3.
Variant type: single nucleotide variant.
Coding change: c.4529A>G on transcript NM_138295.5 (MANE Select); coding-DNA position 4529, A replaced by G.
Protein change: p.Tyr1510Cys; replaces tyrosine 1510 with cysteine.
Molecular consequence: missense variant.
Genome position (GRCh38, 1-based): chr7:47,857,666, T>C on the plus strand (A>G on the coding strand, the complement: PKD1L1 is on the minus strand). VCF-style: chr7-47857666-T-C. GRCh37 (hg19) VCF-style: chr7-47897264-T-C.
Other names: short protein forms Y1510C.
Identifiers: ClinVar variation 3358250 (VCV003358250.1).